The following is an entry in ClinVar:

ClinVar aggregate classification (germline): Conflicting classifications of pathogenicity. Review status: criteria provided, conflicting classifications (1 of 4 stars). 10 submissions from 10 submitters: Uncertain significance (4); Benign (1); Likely benign (3). 2 of the submissions do not count toward it. Last evaluated 2025-12-31.

Conditions:
Hereditary cancer-predisposing syndrome. Also called: Tumor predisposition; Neoplastic Syndromes, Hereditary; Hereditary Cancer Syndrome; Hereditary neoplastic syndrome. Identifiers: Orphanet 140162, MedGen C0027672, MeSH D009386, MONDO:0015356.
Hereditary breast ovarian cancer syndrome. Also called: Hereditary breast and ovarian cancer syndrome (HBOC); Hereditary breast and ovarian cancer syndrome; Hereditary breast and ovarian cancer; Hereditary breast and/or ovarian cancer syndrome; Breast and ovarian cancer; BRCA1- and BRCA2-Associated Hereditary Breast and Ovarian Cancer. Identifiers: Orphanet 145, MedGen C0677776, MeSH D061325, MONDO:0003582. Disease mechanism: loss of function.
Breast-ovarian cancer, familial, susceptibility to, 1 (BROVCA1). Also called: OVARIAN CANCER, SUSCEPTIBILITY TO; BRCA1 Hereditary Breast and Ovarian Cancer. Identifiers: Orphanet 145, MedGen C2676676, MONDO:0011450, OMIM 604370. Disease mechanism: loss of function.

gnomAD v4.1: 24 of 1,614,098 alleles (0.0015%); highest among the groups gnomAD compares: Non-Finnish European, 0.002%; no homozygotes.

Submissions (10):

Labcorp Genetics (formerly Invitae), Labcorp
Classification: Likely benign for Hereditary breast ovarian cancer syndrome. Last evaluated: 2025-12-31. Review status: criteria provided, single submitter. Criteria: Invitae Variant Classification Sherloc (09022015). Collection method: clinical testing. Allele origin: germline.

Ambry Genetics
Classification: Uncertain significance for Hereditary cancer-predisposing syndrome. Last evaluated: 2025-08-11. Review status: criteria provided, single submitter. Criteria: Ambry Variant Classification Scheme 2023. Collection method: clinical testing. Allele origin: germline.
Comment: The p.G933D variant (also known as c.2798G>A), located in coding exon 9 of the BRCA1 gene, results from a G to A substitution at nucleotide position 2798. The glycine at codon 933 is replaced by aspartic acid, an amino acid with similar properties. This amino acid position is not well conserved in available vertebrate species. In addition, this alteration is predicted to be tolerated by in silico analysis. Based on the available evidence, the clinical significance of this variant remains unclear.

Quest Diagnostics Nichols Institute San Juan Capistrano
Classification: Uncertain significance. Last evaluated: 2025-06-25. Review status: criteria provided, single submitter. Criteria: Quest Diagnostics criteria. Collection method: clinical testing. Allele origin: unknown.
Comment: The BRCA1 c.2798G>A (p.Gly933Asp) variant has been reported in the published literature in reportedly unaffected individuals (PMID: 33471991 (2021), see also LOVD) and has been reported to be located in a region of the BRCA1 gene that is tolerant to missense sequence changes (PMID: 31911673 (2020)). Assessment of experimental evidence regarding the effect of this variant on protein function suggests it has no effect relevant to disease (PMID: 32546644 (2020), 36833189 (2023)). This variant has not been reported in large, multi-ethnic general populations (Genome Aggregation Database). Analysis of this variant using bioinformatics tools for the prediction of the effect of amino acid changes on protein structure and function yielded predictions that this variant is benign. Based on the available information, we are unable to determine the clinical significance of this variant.

Color Diagnostics, LLC DBA Color Health
Classification: Likely benign for Hereditary cancer-predisposing syndrome. Last evaluated: 2025-06-02. Review status: criteria provided, single submitter. Criteria: ACMG Guidelines, 2015. Collection method: clinical testing. Allele origin: germline.

Women's Health and Genetics/Laboratory Corporation of America, LabCorp
Classification: Uncertain significance. Last evaluated: 2025-05-14. Review status: criteria provided, single submitter. Criteria: LabCorp Variant Classification Summary - May 2015. Collection method: clinical testing. Allele origin: germline.
Comment: Variant summary: BRCA1 c.2798G>A (p.Gly933Asp) results in a non-conservative amino acid change in the encoded protein sequence. Algorithms developed to predict the effect of missense changes on protein structure and function are either unavailable or do not agree on the potential impact of this missense change. The variant was absent in 251150 control chromosomes. The available data on variant occurrences in the general population are insufficient to allow any conclusion about variant significance. To our knowledge, no occurrence of c.2798G>A in individuals affected with Hereditary Breast And Ovarian Cancer Syndrome has been reported. At least one publication reports experimental evidence evaluating an impact on protein function. The most pronounced variant effect results in about 87% of normal BRCA1 protein (Hovland_2023) and did not affect BRCA1 function by a homologous recombination DNA repair assay (Bouwman_2020). The following publications have been ascertained in the context of this evaluation (PMID: 32546644, 36833189). ClinVar contains an entry for this variant (Variation ID: 37490). Based on the evidence outlined above, the variant was classified as VUS-possibly benign.

ARUP Laboratories, Molecular Genetics and Genomics, ARUP Laboratories
Classification: Benign. Last evaluated: 2024-01-17. Review status: criteria provided, single submitter. Criteria: ARUP Molecular Germline Variant Investigation Process 2024. Collection method: clinical testing. Allele origin: germline.

University of Washington Department of Laboratory Medicine, University of Washington
Classification: Likely benign for Hereditary cancer-predisposing syndrome. Last evaluated: 2023-03-23. Review status: criteria provided, single submitter. Criteria: Dines et al. (Genet Med. 2020). Collection method: curation. Allele origin: germline.
Comment: Missense variant in a coldspot region where missense variants are very unlikely to be pathogenic (PMID:31911673).

BRCA1 coldspot (exon 11 using historical exon numbering). Reclassification based on statistical prior probability

GeneDx
Classification: Uncertain significance. Last evaluated: 2016-05-20. Review status: criteria provided, single submitter. Criteria: GeneDx Variant Classification (06012015). Collection method: clinical testing. Allele origin: germline. Affected: yes.
Comment: This variant is denoted BRCA1 c.2798G>A at the cDNA level, p.Gly933Asp (G933D) at the protein level, and results in the change of a Glycine to an Aspartic Acid (GGT>GAT). Using alternate nomenclature, this variant would be defined as BRCA1 2917G>A. This variant has not, to our knowledge, been published in the literature as pathogenic or benign. BRCA1 Gly933Asp was not observed in approximately 6,500 individuals of European and African American ancestry in the NHLBI Exome Sequencing Project, indicating it is not a common benign variant in these populations. Since Glycine and Aspartic Acid differ in polarity, charge, size or other properties, this is considered a non-conservative amino acid substitution. BRCA1 Gly933Asp occurs at a position that is not conserved and is located in the DNA binding domain and in the region of interaction with RAD51 (Chen 1998, Narod 2004). In silico analyses predict that this variant is unlikely to alter protein structure or function. Based on currently available information, it is unclear whether BRCA1 Gly933Asp is pathogenic or benign. We consider it to be a variant of uncertain significance.

Sharing Clinical Reports Project (SCRP)
Classification: Uncertain significance for Breast-ovarian cancer, familial 1. Last evaluated: 2012-04-26. Review status: no assertion criteria provided. Collection method: clinical testing. Allele origin: germline. Not counted in ClinVar's aggregate classification.

Breast Cancer Information Core (BIC) (BRCA1)
Classification: Uncertain significance for Breast-ovarian cancer, familial 1. Last evaluated: 2004-11-25. Review status: no assertion criteria provided. Collection method: clinical testing. Allele origin: germline. Affected: yes. Observed: 2 variant alleles. Not counted in ClinVar's aggregate classification.

Literature cited by the submitters: PubMed 31911673 (cited by Quest Diagnostics Nichols Institute San Juan Capistrano); PubMed 33471991 (cited by Quest Diagnostics Nichols Institute San Juan Capistrano); PubMed 36833189 (cited by Quest Diagnostics Nichols Institute San Juan Capistrano and Women's Health and Genetics/Laboratory Corporation of America, LabCorp); PubMed 32546644 (cited by Quest Diagnostics Nichols Institute San Juan Capistrano and Women's Health and Genetics/Laboratory Corporation of America, LabCorp); PubMed 31853058 (cited by Quest Diagnostics Nichols Institute San Juan Capistrano).

NM_007294.4(BRCA1):c.2798G>A (p.Gly933Asp)

Gene: BRCA1 (BRCA1 DNA repair associated; minus strand). Cytogenetic location: 17q21.31.
Variant type: single nucleotide variant.
Coding change: c.2798G>A on transcript NM_007294.4 (MANE Select); coding-DNA position 2798, G replaced by A.
Protein change: p.Gly933Asp; replaces glycine 933 with aspartic acid.
Molecular consequence: missense variant. On other transcripts: intron variant (137).
Genome position (GRCh38, 1-based): chr17:43,092,733, C>T on the plus strand (G>A on the coding strand, the complement: BRCA1 is on the minus strand). VCF-style: chr17-43092733-C-T. GRCh37 (hg19) VCF-style: chr17-41244750-C-T.
Other names: 2917G>A; c.788-1701G>A (NM_001407971.1, NM_001407981.1, NM_007298.4 and 17 more transcripts); c.791-1710G>A (NM_001408406.1); c.647-1701G>A (NM_001408456.1, NM_001408410.1, NM_001408458.1 and 11 more transcripts); c.644-1701G>A (NM_001408465.1, NM_001408463.1, NM_001408462.1 and 3 more transcripts); c.578-1701G>A (NM_001408482.1, NM_001408484.1, NM_001408478.1 and 9 more transcripts); c.521-1701G>A (NM_001408504.1, NM_001408503.1, NM_001408505.1); c.524-1701G>A (NM_001408499.1, NM_001408498.1, NM_001408501.1 and 3 more transcripts); and 42 more; short protein forms G933D, G886D, G844D, G906D, G765D, G806D, G822D, G845D.
Identifiers: ClinVar variation 37490 (VCV000037490.28), dbSNP rs80356941, ClinGen allele CA001834.